The following is an entry in ClinVar:

ClinVar aggregate classification (germline): Uncertain significance. Review status: criteria provided, multiple submitters, no conflicts (2 of 4 stars). 3 submissions from 3 submitters: Uncertain significance (3). Last evaluated 2026-01-08.

Conditions:
Dyskeratosis congenita. Identifiers: Orphanet 1775, MedGen C0265965, MONDO:0015780.
Revesz syndrome. Also called: DYSKERATOSIS CONGENITA, AUTOSOMAL DOMINANT 5; EXUDATIVE RETINOPATHY WITH BONE MARROW FAILURE. Identifiers: Orphanet 3088, MedGen C1327916, MONDO:0009990, OMIM 268130.
Dyskeratosis congenita, autosomal dominant 3. Identifiers: MedGen C3151445, MONDO:0013522, OMIM 613990.

Allele frequency attached by ClinVar (database versions not stated): gnomAD exomes 0.00005 and 0.00009; ExAC 0.00012; gnomAD 0.00012 and 0.00013; TOPMed 0.00013; ESP Exome Variant Server 0.00034.
gnomAD v4.1: 90 of 1,612,616 alleles (0.0056%); highest among the groups gnomAD compares: African/African-American, 0.019%; no homozygotes.

Submissions (3):

Labcorp Genetics (formerly Invitae), Labcorp
Classification: Uncertain significance for Dyskeratosis congenita. Last evaluated: 2026-01-08. Review status: criteria provided, single submitter. Criteria: Invitae Variant Classification Sherloc (09022015). Collection method: clinical testing. Allele origin: germline.
Comment: This sequence change replaces alanine, which is neutral and non-polar, with valine, which is neutral and non-polar, at codon 124 of the TINF2 protein (p.Ala124Val). This variant is present in population databases (rs369712095, gnomAD 0.03%). This variant has not been reported in the literature in individuals affected with TINF2-related conditions. ClinVar contains an entry for this variant (Variation ID: 998239). An algorithm developed to predict the effect of missense changes on protein structure and function (PolyPhen-2) suggests that this variant is likely to be tolerated. In summary, the available evidence is currently insufficient to determine the role of this variant in disease. Therefore, it has been classified as a Variant of Uncertain Significance.

Fulgent Genetics
Classification: Uncertain significance for Revesz syndrome; Dyskeratosis congenita, autosomal dominant 3. Last evaluated: 2024-05-08. Review status: criteria provided, single submitter. Criteria: ACMG Guidelines, 2015. Collection method: clinical testing. Allele origin: germline.

Baylor Genetics
Classification: Uncertain significance for Revesz syndrome. Last evaluated: 2019-09-10. Review status: criteria provided, single submitter. Criteria: ACMG Guidelines, 2015. Collection method: clinical testing. Allele origin: unknown. Affected: yes. Study: CSER-TexasKidsCanSeq.
Comment: This variant was determined to be of uncertain significance according to ACMG Guidelines, 2015 [PMID:25741868].

NM_001099274.3(TINF2):c.371C>T (p.Ala124Val)

Gene: TINF2 (TERF1 interacting nuclear factor 2; minus strand). Cytogenetic location: 14q12.
Variant type: single nucleotide variant.
Coding change: c.371C>T on transcript NM_001099274.3 (MANE Select); coding-DNA position 371, C replaced by T.
Protein change: p.Ala124Val; replaces alanine 124 with valine.
Molecular consequence: missense variant.
Genome position (GRCh38, 1-based): chr14:24,241,703, G>A on the plus strand (C>T on the coding strand, the complement: TINF2 is on the minus strand). VCF-style: chr14-24241703-G-A. GRCh37 (hg19) VCF-style: chr14-24710909-G-A.
Other names: c.266C>T, p.Ala89Val (NM_001363668.2); c.371C>T, p.Ala124Val (NM_012461.3); short protein forms A124V, A89V.
Identifiers: ClinVar variation 998239 (VCV000998239.7), dbSNP rs369712095, ClinGen allele CA7130688.